The following is an entry in ClinVar:

ClinVar aggregate classification (germline): Uncertain significance. Review status: criteria provided, multiple submitters, no conflicts (2 of 4 stars). 2 submissions from 2 submitters: Uncertain significance (2). Last evaluated 2023-09-01.

Conditions:
Mega-corpus-callosum syndrome with cerebellar hypoplasia and cortical malformations. Identifiers: MedGen C4748927, MONDO:0032648, OMIM 618273.

Allele frequency attached by ClinVar (database versions not stated): gnomAD exomes below 0.00001.

Submissions (2):

New York Genome Center
Classification: Uncertain significance for Mega-corpus-callosum syndrome with cerebellar hypoplasia and cortical malformations. Last evaluated: 2023-09-01. Review status: criteria provided, single submitter. Criteria: NYGC Assertion Criteria 2020. Collection method: clinical testing. Allele origin: inherited. Observed: 1 heterozygote.

GeneDx
Classification: Uncertain significance. Last evaluated: 2022-03-07. Review status: criteria provided, single submitter. Criteria: GeneDx Variant Classification Process June 2021. Collection method: clinical testing. Allele origin: germline. Affected: yes.
Comment: Has not been previously published as pathogenic or benign to our knowledge; Not observed at significant frequency in large population cohorts (gnomAD); In silico analysis supports that this missense variant has a deleterious effect on protein structure/function

NM_014975.3(MAST1):c.262C>T (p.Arg88Trp)

Gene: MAST1 (microtubule associated serine/threonine kinase 1; plus strand). Cytogenetic location: 19p13.13.
Variant type: single nucleotide variant.
Coding change: c.262C>T on transcript NM_014975.3 (MANE Select); coding-DNA position 262, C replaced by T.
Protein change: p.Arg88Trp; replaces arginine 88 with tryptophan.
Molecular consequence: missense variant.
Genome position (GRCh38, 1-based): chr19:12,843,542, C>T. VCF-style: chr19-12843542-C-T. GRCh37 (hg19) VCF-style: chr19-12954356-C-T.
Other names: short protein forms R88W.
Identifiers: ClinVar variation 1704941 (VCV001704941.3), dbSNP rs2512521125, ClinGen allele CA404255541.
Genomic context (GRCh38, chr19:12,843,542, plus strand): 5'-GGACCGCTGGGGCCTTGTGGCCTCTGAGCACCTTGGCTGGGTTCCAGGGCGGACGGACGC[C>T]GGTGGTCTCTGGCCTCGCTCCCTTCATCTGGCTATGGCACCAACACGCCCAGTTCCACCG-3'
Protein context (NP_055790.1, residues 78-98): FASSRRADGR[Arg88Trp]WSLASLPSSG